The following is an entry in ClinVar:

NM_001164665.2(KIAA1549):c.5122G>T (p.Ala1708Ser)

Gene: KIAA1549 (KIAA1549; minus strand). Cytogenetic location: 7q34.
Variant type: single nucleotide variant.
Coding change: c.5122G>T on transcript NM_001164665.2 (MANE Select); coding-DNA position 5122, G replaced by T.
Protein change: p.Ala1708Ser; replaces alanine 1708 with serine.
Molecular consequence: missense variant.
Genome position (GRCh38, 1-based): chr7:138,861,264, C>A on the plus strand (G>T on the coding strand, the complement: KIAA1549 is on the minus strand). VCF-style: chr7-138861264-C-A. GRCh37 (hg19) VCF-style: chr7-138546010-C-A.
Other names: c.5122G>T, p.Ala1708Ser (NM_020910.3); short protein forms A1708S.
Identifiers: ClinVar variation 1350312 (VCV001350312.6), dbSNP rs773867004, ClinGen allele CA369393755.

ClinVar aggregate classification (germline): Uncertain significance (1 of 4 stars; one submission).

gnomAD v4.1: 2 of 1,609,104 alleles (0.00012%); highest among the groups gnomAD compares: Non-Finnish European, 0.00017%; no homozygotes.

Submission:

Labcorp Genetics (formerly Invitae), Labcorp
Classification: Uncertain significance. Last evaluated: 2022-10-24. Review status: criteria provided, single submitter. Criteria: Invitae Variant Classification Sherloc (09022015). Collection method: clinical testing. Allele origin: germline.
Comment: ClinVar contains an entry for this variant (Variation ID: 1350312). This variant has not been reported in the literature in individuals affected with KIAA1549-related conditions. This variant is not present in population databases (gnomAD no frequency). This sequence change replaces alanine, which is neutral and non-polar, with serine, which is neutral and polar, at codon 1708 of the KIAA1549 protein (p.Ala1708Ser). Algorithms developed to predict the effect of missense changes on protein structure and function output the following: SIFT: "Tolerated"; PolyPhen-2: "Benign"; Align-GVGD: "Class C0". The serine amino acid residue is found in multiple mammalian species, which suggests that this missense change does not adversely affect protein function. In summary, the available evidence is currently insufficient to determine the role of this variant in disease. Therefore, it has been classified as a Variant of Uncertain Significance.